The following is an entry in ClinVar:

NM_001165963.4(SCN1A):c.4002+2499T>G

Genes: SCN1A (sodium voltage-gated channel alpha subunit 1; minus strand), LOC102724058 (uncharacterized LOC102724058; plus strand). Cytogenetic location: 2q24.3.
Variant type: single nucleotide variant.
Coding change: c.4002+2499T>G on transcript NM_001165963.4 (MANE Select); 2499 bases into the intron after coding-DNA position 4002, T replaced by G.
Molecular consequence: intron variant.
Genome position (GRCh38, 1-based): chr2:166,007,220, A>C on the plus strand (T>G on the coding strand, the complement: SCN1A is on the minus strand). VCF-style: chr2-166007220-A-C. GRCh37 (hg19) VCF-style: chr2-166863730-A-C.
Other names: c.3969+2499T>G (NM_001353949.2, NM_001353950.2, NM_001353951.2 and 2 more transcripts); c.3918+2499T>G (NM_001353958.2, NM_001353957.2, NM_001165964.3); c.4002+2499T>G (NM_001202435.3, NM_001353948.2); c.3966+2499T>G (NM_001353955.2, NM_001353954.2); c.3915+2499T>G (NM_001353960.2); c.1560+2499T>G (NM_001353961.2).
Identifiers: ClinVar variation 2108789 (VCV002108789.4), dbSNP rs1438349926, ClinGen allele CA760220723.
Genomic context (GRCh38, chr2:166,007,220, plus strand): 5'-CCCTCCCTCACCCCACTACACATAAGTCACAGTGCAAGGATTAAAGGTAGCAAAAGGGGT[A>C]ATACAGTACCCATAATAAAGGGCTCAGGGGAGGAACCAGCGCTCCACCCCATCCAAGTTG-3'

ClinVar aggregate classification (germline): Uncertain significance (1 of 4 stars; one submission).

Conditions:
Early-infantile DEE. Also called: Early infantile epileptic encephalopathy; Early infantile epileptic encephalopathy with suppression bursts; Ohtahara syndrome. Identifiers: Orphanet 1934, MedGen C0393706, MONDO:0800491.

Allele frequency attached by ClinVar (database versions not stated): TOPMed 0.00007; gnomAD 0.00012.
gnomAD v4.1: 18 of 151,216 alleles (0.012%); highest among the groups gnomAD compares: Admixed American, 0.12%; no homozygotes.

Submission:

Labcorp Genetics (formerly Invitae), Labcorp
Classification: Uncertain significance for Early-infantile DEE. Last evaluated: 2024-05-15. Review status: criteria provided, single submitter. Criteria: Invitae Variant Classification Sherloc (09022015). Collection method: clinical testing. Allele origin: germline.
Comment: This sequence change falls in intron 20 of the SCN1A gene. It does not directly change the encoded amino acid sequence of the SCN1A protein. However, this sequence change falls within a region encompassing a cryptic exon in the SCN1A gene, in which variants have been shown to alter splicing (PMID: 30526861, 34107977). This variant is not present in population databases (gnomAD no frequency). This variant has not been reported in the literature in individuals affected with SCN1A-related conditions. ClinVar contains an entry for this variant (Variation ID: 2108789). Algorithms developed to predict the effect of sequence changes on RNA splicing suggest that this variant is not likely to affect RNA splicing. In summary, the available evidence is currently insufficient to determine the role of this variant in disease. Therefore, it has been classified as a Variant of Uncertain Significance.

Literature cited by the submitters: PubMed 30526861; PubMed 34107977.